The following is an entry in ClinVar:

ClinVar aggregate classification (germline): Uncertain significance (1 of 4 stars; one submission).

Allele frequency attached by ClinVar (database versions not stated): TOPMed below 0.00001.

Submission:

Labcorp Genetics (formerly Invitae), Labcorp
Classification: Uncertain significance. Last evaluated: 2020-09-09. Review status: criteria provided, single submitter. Criteria: Invitae Variant Classification Sherloc (09022015). Collection method: clinical testing. Allele origin: germline.
Comment: This variant has not been reported in the literature in individuals with SCN3A-related conditions. This variant is not present in population databases (ExAC no frequency). This sequence change replaces phenylalanine with serine at codon 409 of the SCN3A protein (p.Phe409Ser). The phenylalanine residue is highly conserved and there is a large physicochemical difference between phenylalanine and serine. In summary, the available evidence is currently insufficient to determine the role of this variant in disease. Therefore, it has been classified as a Variant of Uncertain Significance. Algorithms developed to predict the effect of missense changes on protein structure and function (SIFT, PolyPhen-2, Align-GVGD) all suggest that this variant is likely to be disruptive, but these predictions have not been confirmed by published functional studies and their clinical significance is uncertain.

NM_006922.4(SCN3A):c.1226T>C (p.Phe409Ser)

Gene: SCN3A (sodium voltage-gated channel alpha subunit 3; minus strand). Cytogenetic location: 2q24.3.
Variant type: single nucleotide variant.
Coding change: c.1226T>C on transcript NM_006922.4 (MANE Select); coding-DNA position 1226, T replaced by C.
Protein change: p.Phe409Ser; replaces phenylalanine 409 with serine.
Molecular consequence: missense variant.
Genome position (GRCh38, 1-based): chr2:165,154,606, A>G on the plus strand (T>C on the coding strand, the complement: SCN3A is on the minus strand). VCF-style: chr2-165154606-A-G. GRCh37 (hg19) VCF-style: chr2-166011116-A-G.
Other names: c.1226T>C, p.Phe409Ser (NM_001081676.2, NM_001081677.2); short protein forms F409S.
Identifiers: ClinVar variation 1042125 (VCV001042125.9), dbSNP rs1688903396, ClinGen allele CA349238221.